The following is an entry in ClinVar:

ClinVar aggregate classification (germline): Uncertain significance. Review status: criteria provided, multiple submitters, no conflicts (2 of 4 stars). 2 submissions from 2 submitters: Uncertain significance (2). Last evaluated 2025-09-18.

Conditions:
ALMS1-related disorder. Also called: ALMS1-related condition.
Alstrom syndrome (ALMS). Identifiers: Orphanet 64, MedGen C0268425, MONDO:0008763, OMIM 203800.

Submissions (2):

PreventionGenetics, part of Exact Sciences
Classification: Uncertain significance for ALMS1-related condition. Last evaluated: 2025-09-18. Review status: criteria provided, single submitter. Criteria: ACMG Guidelines, 2015. Collection method: clinical testing. Allele origin: germline.
Comment: The ALMS1 c.11852A>C variant is predicted to result in the amino acid substitution p.Lys3951Thr. To our knowledge, this variant has not been reported in the literature or in a large population database (gnomAD), indicating this variant is rare. At this time, the clinical significance of this variant is uncertain due to the absence of conclusive functional and genetic evidence.

Labcorp Genetics (formerly Invitae), Labcorp
Classification: Uncertain significance for Alstrom syndrome. Last evaluated: 2021-08-03. Review status: criteria provided, single submitter. Criteria: Invitae Variant Classification Sherloc (09022015). Collection method: clinical testing. Allele origin: germline.
Comment: In summary, the available evidence is currently insufficient to determine the role of this variant in disease. Therefore, it has been classified as a Variant of Uncertain Significance. Experimental studies and prediction algorithms are not available or were not evaluated, and the functional significance of this variant is currently unknown. This variant has not been reported in the literature in individuals affected with ALMS1-related conditions. This variant is not present in population databases (ExAC no frequency). This sequence change replaces lysine with threonine at codon 3951 of the ALMS1 protein (p.Lys3951Thr). The lysine residue is moderately conserved and there is a moderate physicochemical difference between lysine and threonine.

NM_001378454.1(ALMS1):c.11849A>C (p.Lys3950Thr)

Gene: ALMS1 (ALMS1 centrosome and basal body associated protein; plus strand). Cytogenetic location: 2p13.1.
Variant type: single nucleotide variant.
Coding change: c.11849A>C on transcript NM_001378454.1 (MANE Select); coding-DNA position 11849, A replaced by C.
Protein change: p.Lys3950Thr; replaces lysine 3950 with threonine.
Molecular consequence: missense variant.
Genome position (GRCh38, 1-based): chr2:73,600,858, A>C. VCF-style: chr2-73600858-A-C. GRCh37 (hg19) VCF-style: chr2-73827985-A-C.
Other names: c.11852A>C, p.Lys3951Thr (NM_015120.4); short protein forms K3950T, K3951T.
Identifiers: ClinVar variation 1509951 (VCV001509951.7), dbSNP rs2104194109, ClinGen allele CA347265047.